The following is an entry in ClinVar:

ClinVar aggregate classification (germline): Uncertain significance (1 of 4 stars; one submission).

Conditions:
Hereditary nonpolyposis colorectal neoplasms. Identifiers: MedGen C0009405, MeSH D003123.

Allele frequency attached by ClinVar (database versions not stated): gnomAD 0.00001.
gnomAD v4.1: 1 of 1,611,888 alleles (0.000062%); highest among the groups gnomAD compares: Admixed American, 0.0017%; no homozygotes.

Submission:

Labcorp Genetics (formerly Invitae), Labcorp
Classification: Uncertain significance for Hereditary nonpolyposis colorectal neoplasms. Last evaluated: 2023-05-12. Review status: criteria provided, single submitter. Criteria: Invitae Variant Classification Sherloc (09022015). Collection method: clinical testing. Allele origin: germline.
Comment: In summary, the available evidence is currently insufficient to determine the role of this variant in disease. Therefore, it has been classified as a Variant of Uncertain Significance. Advanced modeling of protein sequence and biophysical properties (such as structural, functional, and spatial information, amino acid conservation, physicochemical variation, residue mobility, and thermodynamic stability) performed at Invitae indicates that this missense variant is not expected to disrupt MSH6 protein function. This variant has not been reported in the literature in individuals affected with MSH6-related conditions. This variant is not present in population databases (gnomAD no frequency). This sequence change replaces serine, which is neutral and polar, with tryptophan, which is neutral and slightly polar, at codon 24 of the MSH6 protein (p.Ser24Trp).

NM_000179.3(MSH6):c.71C>G (p.Ser24Trp)

Gene: MSH6 (mutS homolog 6; plus strand). Cytogenetic location: 2p16.3.
Variant type: single nucleotide variant.
Coding change: c.71C>G on transcript NM_000179.3 (MANE Select); coding-DNA position 71, C replaced by G.
Protein change: p.Ser24Trp; replaces serine 24 with tryptophan.
Molecular consequence: missense variant. On other transcripts: 5 prime UTR variant (7), intron variant (5), non-coding transcript variant (5).
Genome position (GRCh38, 1-based): chr2:47,783,304, C>G. VCF-style: chr2-47783304-C-G. GRCh37 (hg19) VCF-style: chr2-48010443-C-G.
Other names: c.71C>G, p.Ser24Trp (NM_001406795.1, NM_001406796.1, NM_001406798.1 and 9 more transcripts); c.-258C>G (NM_001406799.1); c.16C>G, p.Arg6Gly (NM_001406804.1); c.-666C>G (NM_001281493.2, NM_001406811.1); c.-513C>G (NM_001406812.1); c.-280+73C>G (NM_001406815.1); c.-924C>G (NM_001406814.1); c.-469C>G (NM_001406816.1); and 3 more; short protein forms R6G, S24W.
Identifiers: ClinVar variation 2959326 (VCV002959326.3), dbSNP rs786201684, ClinGen allele CA346734786.